The following is an entry in ClinVar:

ClinVar aggregate classification (germline): Uncertain significance. Review status: criteria provided, multiple submitters, no conflicts (2 of 4 stars). 2 submissions from 2 submitters: Uncertain significance (2). Last evaluated 2025-03-09.

Conditions:
Cardiovascular phenotype. Identifiers: MedGen CN230736.

gnomAD v4.1: 1 of 1,543,068 alleles (0.000065%); highest among the groups gnomAD compares: Admixed American, 0.002%; no homozygotes.

Submissions (2):

Ambry Genetics
Classification: Uncertain significance for Cardiovascular phenotype. Last evaluated: 2025-03-09. Review status: criteria provided, single submitter. Criteria: Ambry Variant Classification Scheme 2023. Collection method: clinical testing. Allele origin: germline.
Comment: The p.E3364A variant (also known as c.10091A>C), located in coding exon 2 of the ZNF469 gene, results from an A to C substitution at nucleotide position 10091. The glutamic acid at codon 3364 is replaced by alanine, an amino acid with dissimilar properties. This amino acid position is conserved. In addition, this alteration is predicted to be tolerated by in silico analysis. Based on the available evidence, the clinical significance of this variant remains unclear.

Labcorp Genetics (formerly Invitae), Labcorp
Classification: Uncertain significance. Last evaluated: 2024-07-15. Review status: criteria provided, single submitter. Criteria: Invitae Variant Classification Sherloc (09022015). Collection method: clinical testing. Allele origin: germline.
Comment: This sequence change replaces glutamic acid, which is acidic and polar, with alanine, which is neutral and non-polar, at codon 3364 of the ZNF469 protein (p.Glu3364Ala). This variant is present in population databases (no rsID available, gnomAD 0.004%). This variant has not been reported in the literature in individuals affected with ZNF469-related conditions. An algorithm developed to predict the effect of missense changes on protein structure and function (PolyPhen-2) suggests that this variant is likely to be tolerated. In summary, the available evidence is currently insufficient to determine the role of this variant in disease. Therefore, it has been classified as a Variant of Uncertain Significance.

NM_001367624.2(ZNF469):c.10175A>C (p.Glu3392Ala)

Gene: ZNF469 (zinc finger protein 469; plus strand). Cytogenetic location: 16q24.2.
Variant type: single nucleotide variant.
Coding change: c.10175A>C on transcript NM_001367624.2 (MANE Select); coding-DNA position 10175, A replaced by C.
Protein change: p.Glu3392Ala; replaces glutamic acid 3392 with alanine.
Molecular consequence: missense variant.
Genome position (GRCh38, 1-based): chr16:88,437,645, A>C. VCF-style: chr16-88437645-A-C. GRCh37 (hg19) VCF-style: chr16-88504053-A-C.
Other names: NM_001127464.1:c.10091A>C; short protein forms E3392A.
Identifiers: ClinVar variation 3682321 (VCV003682321.3).